The following is an entry in ClinVar:

NM_024675.4(PALB2):c.2802A>G (p.Val934=)

Gene: PALB2 (partner and localizer of BRCA2; minus strand). Cytogenetic location: 16p12.2.
Variant type: single nucleotide variant.
Coding change: c.2802A>G on transcript NM_024675.4 (MANE Select); coding-DNA position 2802, A replaced by G.
Protein change: p.Val934=; no amino-acid change (valine 934 retained).
Molecular consequence: synonymous variant.
Genome position (GRCh38, 1-based): chr16:23,624,041, T>C on the plus strand (A>G on the coding strand, the complement: PALB2 is on the minus strand). VCF-style: chr16-23624041-T-C. GRCh37 (hg19) VCF-style: chr16-23635362-T-C.
Identifiers: ClinVar variation 484165 (VCV000484165.19), dbSNP rs1555459718, ClinGen allele CA494181134.

ClinVar aggregate classification (germline): Benign/Likely benign. Review status: criteria provided, multiple submitters, no conflicts (2 of 4 stars). 6 submissions from 6 submitters: Benign (1); Likely benign (5). Last evaluated 2025-12-08.

Conditions:
Hereditary cancer-predisposing syndrome. Also called: Neoplastic Syndromes, Hereditary; Tumor predisposition; Hereditary Cancer Syndrome; Hereditary neoplastic syndrome. Identifiers: Orphanet 140162, MedGen C0027672, MeSH D009386, MONDO:0015356.
Familial cancer of breast. Also called: BREAST CANCER, FAMILIAL; Hereditary breast cancer; hereditary breast carcinoma. Identifiers: Orphanet 227535, MedGen C0346153, MONDO:0016419, OMIM 114480. Disease mechanism: loss of function.

Allele frequency attached by ClinVar (database versions not stated): gnomAD exomes below 0.00001.
gnomAD v4.1: 1 of 1,607,826 alleles (0.000062%); highest among the groups gnomAD compares: Non-Finnish European, 0.000085%; no homozygotes.

Submissions (6):

Labcorp Genetics (formerly Invitae), Labcorp
Classification: Likely benign for Familial cancer of breast. Last evaluated: 2025-12-08. Review status: criteria provided, single submitter. Criteria: Invitae Variant Classification Sherloc (09022015). Collection method: clinical testing. Allele origin: germline.

Myriad Genetics, Inc.
Classification: Benign for Familial cancer of breast. Last evaluated: 2025-01-17. Review status: criteria provided, single submitter. Criteria: Myriad Autosomal Dominant, Autosomal Recessive and X-Linked Classification Criteria (2023). Collection method: clinical testing. Allele origin: unknown.
Comment: This variant is considered benign. This variant is a silent/synonymous amino acid change and it is not expected to impact splicing.

Sema4
Classification: Likely benign for Hereditary cancer-predisposing syndrome. Last evaluated: 2022-01-09. Review status: criteria provided, single submitter. Criteria: Sema4 Curation Guidelines. Collection method: curation. Allele origin: germline.

GeneDx
Classification: Likely benign. Last evaluated: 2018-11-16. Review status: criteria provided, single submitter. Criteria: GeneDx Variant Classification Process June 2021. Collection method: clinical testing. Allele origin: germline. Affected: yes.

Quest Diagnostics Nichols Institute San Juan Capistrano
Classification: Likely benign. Last evaluated: 2018-04-03. Review status: criteria provided, single submitter. Criteria: Quest Diagnostics criteria. Collection method: clinical testing. Allele origin: germline.

Ambry Genetics
Classification: Likely benign for Hereditary cancer-predisposing syndrome. Last evaluated: 2015-09-16. Review status: criteria provided, single submitter. Criteria: Ambry Variant Classification Scheme 2023. Collection method: clinical testing. Allele origin: germline.